The following is an entry in ClinVar:

NM_000090.4(COL3A1):c.622C>A (p.Gln208Lys)

Gene: COL3A1 (collagen type III alpha 1 chain; plus strand). Cytogenetic location: 2q32.2.
Variant type: single nucleotide variant.
Coding change: c.622C>A on transcript NM_000090.4 (MANE Select); coding-DNA position 622, C replaced by A.
Protein change: p.Gln208Lys; replaces glutamine 208 with lysine.
Molecular consequence: missense variant.
Genome position (GRCh38, 1-based): chr2:188,988,629, C>A. VCF-style: chr2-188988629-C-A. GRCh37 (hg19) VCF-style: chr2-189853355-C-A.
Other names: short protein forms Q208K.
Identifiers: ClinVar variation 3894371 (VCV003894371.1).

ClinVar aggregate classification (germline): Uncertain significance (1 of 4 stars; one submission).

Conditions:
Familial thoracic aortic aneurysm and aortic dissection (TAAD). Also called: Thoracic aortic aneurysms and dissections. Identifiers: Orphanet 91387, MedGen C4707243, MONDO:0019625.

gnomAD v4.1: 7 of 1,606,024 alleles (0.00044%); highest among the groups gnomAD compares: African/African-American, 0.0027%; no homozygotes.

Submission:

Color Diagnostics, LLC DBA Color Health
Classification: Uncertain significance for Familial thoracic aortic aneurysm and aortic dissection. Last evaluated: 2024-02-12. Review status: criteria provided, single submitter. Criteria: ACMG Guidelines, 2015. Collection method: clinical testing. Allele origin: germline.
Comment: This missense variant replaces glutamine with lysine at codon 208 of the COL3A1 protein. Computational prediction is inconclusive regarding the impact of this variant on protein structure and function (internally defined REVEL score threshold 0.5 < inconclusive < 0.7, PMID: 27666373). To our knowledge, functional studies have not been reported for this variant. This variant has not been reported in individuals affected with COL3A1-related disorders in the literature. This variant has been identified in 2/249766 chromosomes in the general population by the Genome Aggregation Database (gnomAD). The available evidence is insufficient to determine the role of this variant in disease conclusively. Therefore, this variant is classified as a Variant of Uncertain Significance.